The following is an entry in ClinVar:

ClinVar aggregate classification (germline): Uncertain significance (1 of 4 stars; one submission).

Allele frequency attached by ClinVar (database versions not stated): gnomAD 0.00001.
gnomAD v4.1: 1 of 1,614,036 alleles (0.000062%); highest among the groups gnomAD compares: African/African-American, 0.0013%; no homozygotes.

Submission:

GeneDx
Classification: Uncertain significance. Last evaluated: 2025-01-15. Review status: criteria provided, single submitter. Criteria: GeneDx Variant Classification Process June 2021. Collection method: clinical testing. Allele origin: germline.
Comment: Not observed at significant frequency in large population cohorts (gnomAD); In silico analysis supports that this missense variant has a deleterious effect on protein structure/function; Has not been previously published as pathogenic or benign to our knowledge

NM_001756.4(SERPINA6):c.847G>C (p.Asp283His)

Gene: SERPINA6 (serpin family A member 6; minus strand). Cytogenetic location: 14q32.13.
Variant type: single nucleotide variant.
Coding change: c.847G>C on transcript NM_001756.4 (MANE Select); coding-DNA position 847, G replaced by C.
Protein change: p.Asp283His; replaces aspartic acid 283 with histidine.
Molecular consequence: missense variant.
Genome position (GRCh38, 1-based): chr14:94,309,773, C>G on the plus strand (G>C on the coding strand, the complement: SERPINA6 is on the minus strand). VCF-style: chr14-94309773-C-G. GRCh37 (hg19) VCF-style: chr14-94776110-C-G.
Other names: short protein forms D283H.
Identifiers: ClinVar variation 2430886 (VCV002430886.2), dbSNP rs772942603, ClinGen allele CA390851063.
Genomic context (GRCh38, chr14:94,309,773, plus strand): 5'-AACATGATGGCTGGAGGACTTACCTGCTGGTCAGGCCTGCGGACCACCTGTTAATCGTGT[C>G]CCGGCTCAGTGCAGCGATGACTGTGTTCATCTTCCCCTTGTCCGGAAGGATGAAGAAGAC-3'
Protein context (NP_001747.3, residues 273-293): MNTVIAALSR[Asp283His]TINRWSAGLT